The following is an entry in ClinVar:

ClinVar aggregate classification (germline): Uncertain significance (1 of 4 stars; one submission).

Allele frequency attached by ClinVar (database versions not stated): gnomAD exomes below 0.00001.
gnomAD v4.1: 1 of 1,614,026 alleles (0.000062%); highest among the groups gnomAD compares: Non-Finnish European, 0.000085%; no homozygotes.

Submission:

Labcorp Genetics (formerly Invitae), Labcorp
Classification: Uncertain significance. Last evaluated: 2022-12-14. Review status: criteria provided, single submitter. Criteria: Invitae Variant Classification Sherloc (09022015). Collection method: clinical testing. Allele origin: germline.
Comment: Advanced modeling of protein sequence and biophysical properties (such as structural, functional, and spatial information, amino acid conservation, physicochemical variation, residue mobility, and thermodynamic stability) has been performed at Invitae for this missense variant, however the output from this modeling did not meet the statistical confidence thresholds required to predict the impact of this variant on GRHL2 protein function. In summary, the available evidence is currently insufficient to determine the role of this variant in disease. Therefore, it has been classified as a Variant of Uncertain Significance. This variant has not been reported in the literature in individuals affected with GRHL2-related conditions. This variant is not present in population databases (gnomAD no frequency). This sequence change replaces aspartic acid, which is acidic and polar, with tyrosine, which is neutral and polar, at codon 207 of the GRHL2 protein (p.Asp207Tyr).

NM_024915.4(GRHL2):c.619G>T (p.Asp207Tyr)

Gene: GRHL2 (grainyhead like transcription factor 2; plus strand). Cytogenetic location: 8q22.3.
Variant type: single nucleotide variant.
Coding change: c.619G>T on transcript NM_024915.4 (MANE Select); coding-DNA position 619, G replaced by T.
Protein change: p.Asp207Tyr; replaces aspartic acid 207 with tyrosine.
Molecular consequence: missense variant.
Genome position (GRCh38, 1-based): chr8:101,558,753, G>T. VCF-style: chr8-101558753-G-T. GRCh37 (hg19) VCF-style: chr8-102570981-G-T.
Other names: c.571G>T, p.Asp191Tyr (NM_001330593.2); short protein forms D207Y, D191Y.
Identifiers: ClinVar variation 2025889 (VCV002025889.4), dbSNP rs1241773797, ClinGen allele CA371644353.
Genomic context (GRCh38, chr8:101,558,753, plus strand): 5'-TTTGAACAGACTCAGTATGACGTGCCCTCGCTGGCCACCCACAGCGCCTATCTCAAAGAC[G>T]ACCAGCGCAGCACTCCGGACAGCACATACAGCGAGAGCTTCAAGGACGCAGCCACAGAGG-3'
Protein context (NP_079191.2, residues 197-217): LATHSAYLKD[Asp207Tyr]QRSTPDSTYS